The following is an entry in ClinVar:

NM_000038.6(APC):c.645G>C (p.Gln215His)

Gene: APC (APC regulator of Wnt signaling pathway; plus strand). Cytogenetic location: 5q22.2.
Variant type: single nucleotide variant.
Coding change: c.645G>C on transcript NM_000038.6 (MANE Select); coding-DNA position 645, G replaced by C.
Protein change: p.Gln215His; replaces glutamine 215 with histidine.
Molecular consequence: missense variant. On other transcripts: 5 prime UTR variant (1).
Genome position (GRCh38, 1-based): chr5:112,780,903, G>C. VCF-style: chr5-112780903-G-C. GRCh37 (hg19) VCF-style: chr5-112116600-G-C.
Other names: c.645G>C, p.Gln215His (NM_001127510.3, NM_001354895.2, NM_001354896.2 and 2 more transcripts); c.675G>C, p.Gln225His (NM_001127511.3, NM_001354897.2, NM_001354902.2); c.570G>C, p.Gln190His (NM_001354898.2, NM_001354904.2); c.468G>C, p.Gln156His (NM_001354900.2, NM_001354901.2, NM_001354905.2); c.-391G>C (NM_001354906.2); short protein forms Q225H, Q215H, Q190H, Q156H.
Identifiers: ClinVar variation 411420 (VCV000411420.10), dbSNP rs1060503295, ClinGen allele CA16022749.

ClinVar aggregate classification (germline): Uncertain significance (1 of 4 stars; one submission).

Conditions:
Familial adenomatous polyposis 1 (FAP1). Also called: FAMILIAL ADENOMATOUS POLYPOSIS 1, ATTENUATED; POLYPOSIS, ADENOMATOUS INTESTINAL. Identifiers: MedGen C2713442, MONDO:0021056, OMIM 175100. Disease mechanism: loss of function.

Submission:

Labcorp Genetics (formerly Invitae), Labcorp
Classification: Uncertain significance for Familial adenomatous polyposis 1. Last evaluated: 2017-05-13. Review status: criteria provided, single submitter. Criteria: Invitae Variant Classification Sherloc (09022015). Collection method: clinical testing. Allele origin: germline.
Comment: Nucleotide substitutions within the consensus splice site are relatively common causes of aberrant splicing (PMID: 17576681, 9536098) but according to multiple splice site algorithms this particular variant is not predicted to significantly affect splicing. These predictions have not been confirmed by published functional studies. In summary, this variant is a novel missense change with uncertain impact on protein function. It has been classified as a Variant of Uncertain Significance. This variant is not present in population databases (ExAC no frequency) and has not been reported in the literature in individuals with an APC-related disease. ClinVar contains an entry for this variant (Variation ID: 411420). Algorithms developed to predict the effect of missense changes on protein structure and function do not agree on the potential impact of this missense change (SIFT: "Deleterious"; PolyPhen-2: "Probably Damaging"; Align-GVGD: "Class C0"). This sequence change replaces glutamine with histidine at codon 215 of the APC protein (p.Gln215His). The glutamine residue is highly conserved and there is a small physicochemical difference between glutamine and histidine. It also falls at the last nucleotide of exon 6 of the APC coding sequence.

Literature cited by the submitters: PubMed 17576681; PubMed 9536098.